The following is an entry in ClinVar:

ClinVar aggregate classification (germline): Conflicting classifications of pathogenicity. Review status: criteria provided, conflicting classifications (1 of 4 stars). 4 submissions from 4 submitters: Uncertain significance (3); Likely benign (1). Last evaluated 2025-09-29.

Conditions:
Cardiac arrhythmia. Also called: Arrhythmia; Cardiac rhythm disease. Identifiers: MedGen C0003811, MONDO:0007263, HP:0011675.
Cardiovascular phenotype. Identifiers: MedGen CN230736.
Long QT syndrome (LQTS). Identifiers: MedGen C0023976, MeSH D008133, MONDO:0002442. Disease mechanism: loss of function. Inheritance: Various modes of inheritance.

Allele frequency attached by ClinVar (database versions not stated): TOPMed 0.00002.
gnomAD v4.1: 9 of 1,546,754 alleles (0.00058%); highest among the groups gnomAD compares: African/African-American, 0.0055%; no homozygotes.

Submissions (4):

Labcorp Genetics (formerly Invitae), Labcorp
Classification: Uncertain significance for Long QT syndrome. Last evaluated: 2025-09-29. Review status: criteria provided, single submitter. Criteria: Invitae Variant Classification Sherloc (09022015). Collection method: clinical testing. Allele origin: germline.
Comment: This sequence change replaces valine, which is neutral and non-polar, with leucine, which is neutral and non-polar, at codon 1038 of the KCNH2 protein (p.Val1038Leu). The frequency data for this variant in the population databases is considered unreliable, as metrics indicate poor data quality at this position in the gnomAD database. This variant has not been reported in the literature in individuals affected with KCNH2-related conditions. ClinVar contains an entry for this variant (Variation ID: 405360). An algorithm developed to predict the effect of missense changes on protein structure and function (PolyPhen-2) suggests that this variant is likely to be disruptive. In summary, the available evidence is currently insufficient to determine the role of this variant in disease. Therefore, it has been classified as a Variant of Uncertain Significance.

Color Diagnostics, LLC DBA Color Health
Classification: Uncertain significance for Cardiac arrhythmia. Last evaluated: 2025-07-15. Review status: criteria provided, single submitter. Criteria: ACMG Guidelines, 2015. Collection method: clinical testing. Allele origin: germline.
Comment: This missense variant replaces valine with leucine at codon 1038 of the KCNH2 protein. Computational prediction suggests that this variant may not impact protein structure and function. To our knowledge, functional studies have not been reported for this variant. This variant has not been reported in individuals affected with KCNH2-related disorders in the literature. This variant has been identified in 4/144652 chromosomes in the general population by the Genome Aggregation Database (gnomAD). The available evidence is insufficient to determine the role of this variant in disease conclusively. Therefore, this variant is classified as a Variant of Uncertain Significance.

Ambry Genetics
Classification: Likely benign for Cardiovascular phenotype. Last evaluated: 2025-04-14. Review status: criteria provided, single submitter. Criteria: Ambry Variant Classification Scheme 2023. Collection method: clinical testing. Allele origin: germline.

All of Us Research Program, National Institutes of Health
Classification: Uncertain significance for Long QT syndrome. Last evaluated: 2023-10-02. Review status: criteria provided, single submitter. Criteria: ACMG Guidelines, 2015. Collection method: clinical testing. Allele origin: germline. Inheritance: Autosomal dominant inheritance. Observed: 6 variant alleles, 6 heterozygotes.
Comment: Variant of Uncertain Significance due to insufficient evidence: This missense variant replaces valine with leucine at codon 1038 of the KCNH2 protein. Computational prediction tools and conservation analyses are inconclusive regarding the impact of this variant on the protein function. Computational splicing tools suggest that this variant may not impact RNA splicing. To our knowledge, functional assays have not been performed for this variant nor has this variant been reported in individuals affected with cardiovascular disorders in the literature. This variant has been identified in 4/144652 chromosomes in the general population by the Genome Aggregation Database (gnomAD). Available evidence is insufficient to determine the role of this variant in disease conclusively.

This study involves interpretation of variants in research participants for the purpose of population health screening. Participant phenotype was not available at the time of variant classification. Additional details can be found in publication PMID: 35346344, PMCID: PMC8962531

Literature cited by the submitters: PubMed 28589536 (cited by Ambry Genetics).

NM_000238.4(KCNH2):c.3112G>T (p.Val1038Leu)

Gene: KCNH2 (potassium voltage-gated channel subfamily H member 2; minus strand). Cytogenetic location: 7q36.1.
Variant type: single nucleotide variant.
Coding change: c.3112G>T on transcript NM_000238.4 (MANE Select); coding-DNA position 3112, G replaced by T.
Protein change: p.Val1038Leu; replaces valine 1038 with leucine.
Molecular consequence: missense variant.
Genome position (GRCh38, 1-based): chr7:150,947,368, C>A on the plus strand (G>T on the coding strand, the complement: KCNH2 is on the minus strand). VCF-style: chr7-150947368-C-A. GRCh37 (hg19) VCF-style: chr7-150644456-C-A.
Other names: c.2092G>T, p.Val698Leu (NM_172057.3); short protein forms V1038L, V698L.
Identifiers: ClinVar variation 405360 (VCV000405360.19), dbSNP rs199473544, ClinGen allele CA037127.
Genomic context (GRCh38, chr7:150,947,368, plus strand): 5'-CCCCACCTGCACTCCCTCACCTGTTGAGCTGGCGCTGGAGGGCATCCAGCCTGCTCTCCA[C>A]GTCGCCCCGGGGCCGCCGACCCGGGCTGGAGAGGGGGATGTTGAGGAGGCTGGGGGTGGG-3'
Protein context (NP_000229.1, residues 1028-1048): SSPGRRPRGD[Val1038Leu]ESRLDALQRQ